The following is an entry in ClinVar:

NM_012338.4(TSPAN12):c.176_179del (p.Tyr59fs)

Gene: TSPAN12 (tetraspanin 12; minus strand). Cytogenetic location: 7q31.31.
Variant type: Microsatellite.
Coding change: c.176_179del on transcript NM_012338.4 (MANE Select); coding-DNA positions 176 to 179, 4 bases deleted (ACTT; older notation c.176_179delACTT).
Protein change: p.Tyr59fs; shifts the reading frame from tyrosine 59.
Molecular consequence: frameshift variant.
Genome position (GRCh38, 1-based): chr7:120,838,883-120,838,886, AAGT deleted on the plus strand (ACTT on the coding strand, the reverse complement: TSPAN12 is on the minus strand); deleting any 4 consecutive bases within chr7:120,838,883-120,838,890 gives the same sequence; the c. name uses the placement nearest the transcript's 3' end. VCF-style (leftmost placement, unchanged base first): chr7-120838882-AAAGT-A. GRCh37 (hg19) VCF-style: chr7-120478936-AAAGT-A.
Other names: short protein forms Y59fs.
Identifiers: ClinVar variation 1334684 (VCV001334684.6), dbSNP rs1278815943, ClinGen allele CA457397452.

ClinVar aggregate classification (germline): Pathogenic. Review status: criteria provided, multiple submitters, no conflicts (2 of 4 stars). 2 submissions from 2 submitters: Pathogenic (2). Last evaluated 2024-04-02.

Conditions:
Exudative vitreoretinopathy 5 (EVR5). Identifiers: Orphanet 891, MedGen C2750079, MONDO:0013218, OMIM 613310.

Submissions (2):

Labcorp Genetics (formerly Invitae), Labcorp
Classification: Pathogenic. Last evaluated: 2024-04-02. Review status: criteria provided, single submitter. Criteria: Invitae Variant Classification Sherloc (09022015). Collection method: clinical testing. Allele origin: germline.
Comment: This sequence change creates a premature translational stop signal (p.Tyr59Phefs*8) in the TSPAN12 gene. It is expected to result in an absent or disrupted protein product. Loss-of-function variants in TSPAN12 are known to be pathogenic (PMID: 20159112, 21334594). This variant is not present in population databases (gnomAD no frequency). This premature translational stop signal has been observed in individual(s) with familial exudative vitreoretinopathy (PMID: 30452590). For these reasons, this variant has been classified as Pathogenic.

Greenwood Genetic Center Diagnostic Laboratories, Greenwood Genetic Center
Classification: Pathogenic for Exudative vitreoretinopathy 5. Last evaluated: 2021-12-03. Review status: criteria provided, single submitter. Criteria: ACMG Guidelines, 2015. Collection method: clinical testing. Allele origin: germline. Affected: yes.
Comment: PVS1, PM2, PS4_Supporting

Literature cited by the submitters: PubMed 20159112 (cited by Labcorp Genetics (formerly Invitae), Labcorp); PubMed 21334594 (cited by Labcorp Genetics (formerly Invitae), Labcorp); PubMed 30452590 (cited by Labcorp Genetics (formerly Invitae), Labcorp).